The following is an entry in ClinVar:

NM_001035.3(RYR2):c.11583G>T (p.Gln3861His)

Gene: RYR2 (ryanodine receptor 2; plus strand). Cytogenetic location: 1q43.
Variant type: single nucleotide variant.
Coding change: c.11583G>T on transcript NM_001035.3 (MANE Select); coding-DNA position 11583, G replaced by T.
Protein change: p.Gln3861His; replaces glutamine 3861 with histidine.
Molecular consequence: missense variant.
Genome position (GRCh38, 1-based): chr1:237,772,037, G>T. VCF-style: chr1-237772037-G-T. GRCh37 (hg19) VCF-style: chr1-237935337-G-T.
Other names: short protein forms Q3861H.
Identifiers: ClinVar variation 2203008 (VCV002203008.4), dbSNP rs1014561815, ClinGen allele CA345407043.

ClinVar aggregate classification (germline): Pathogenic (1 of 4 stars; one submission).

Conditions:
Catecholaminergic polymorphic ventricular tachycardia 1. Also called: VENTRICULAR TACHYCARDIA, STRESS-INDUCED POLYMORPHIC 1; VENTRICULAR TACHYCARDIA, CATECHOLAMINERGIC POLYMORPHIC, 1, WITH OR WITHOUT ATRIAL DYSFUNCTION AND/OR DILATED CARDIOMYOPATHY; RYR2-Related Catecholaminergic Polymorphic Ventricular Tachycardia. Identifiers: Orphanet 3286, MedGen C1631597, MONDO:0011484, OMIM 604772.

Submission:

Labcorp Genetics (formerly Invitae), Labcorp
Classification: Pathogenic for Catecholaminergic polymorphic ventricular tachycardia 1. Last evaluated: 2023-12-22. Review status: criteria provided, single submitter. Criteria: Invitae Variant Classification Sherloc (09022015). Collection method: clinical testing. Allele origin: germline.
Comment: This sequence change replaces glutamine, which is neutral and polar, with histidine, which is basic and polar, at codon 3861 of the RYR2 protein (p.Gln3861His). This variant is not present in population databases (gnomAD no frequency). This missense change has been observed in individual(s) with catecholaminergic polymorphic ventricular tachycardia (PMID: 26114861). In at least one individual the variant was observed to be de novo. ClinVar contains an entry for this variant (Variation ID: 2203008). Advanced modeling of protein sequence and biophysical properties (such as structural, functional, and spatial information, amino acid conservation, physicochemical variation, residue mobility, and thermodynamic stability) performed at Invitae indicates that this missense variant is expected to disrupt RYR2 protein function with a positive predictive value of 95%. For these reasons, this variant has been classified as Pathogenic.

Literature cited by the submitters: PubMed 26114861.